The following is an entry in ClinVar:

ClinVar aggregate classification (germline): Likely benign. Review status: criteria provided, multiple submitters, no conflicts (2 of 4 stars). 2 submissions from 2 submitters: Likely benign (2). Last evaluated 2024-02-17.

Conditions:
RYR1-related disorder. Also called: RYR1-related condition; RYR1-related disorders. Identifiers: MedGen CN239331.
Malignant hyperthermia, susceptibility to, 1 (MHS1). Also called: RYR1-Related Malignant Hyperthermia Susceptibility; Anesthesia related hyperthermia; Malignant hyperpyrexia; Fulminating hyperpyrexia; Pharmacogenic myopathy; Malignant hyperthermia suceptibility 1. Identifiers: Orphanet 423, MedGen C2930980, MONDO:0007783, OMIM 145600.

Allele frequency attached by ClinVar (database versions not stated): gnomAD exomes below 0.00001; ExAC 0.00001.
gnomAD v4.1: 7 of 1,614,062 alleles (0.00043%); highest among the groups gnomAD compares: Middle Eastern, 0.016%; no homozygotes.

Submissions (2):

Labcorp Genetics (formerly Invitae), Labcorp
Classification: Likely benign for RYR1-related disorder. Last evaluated: 2024-02-17. Review status: criteria provided, single submitter. Criteria: Invitae Variant Classification Sherloc (09022015). Collection method: clinical testing. Allele origin: germline.

All of Us Research Program, National Institutes of Health
Classification: Likely benign for Malignant hyperthermia, susceptibility to, 1. Last evaluated: 2022-10-25. Review status: criteria provided, single submitter. Criteria: ACMG Guidelines, 2015. Collection method: clinical testing. Allele origin: germline. Inheritance: Autosomal dominant inheritance. Observed: 1 variant allele, 1 heterozygote.
Comment: This study involves interpretation of variants in research participants for the purpose of population health screening. Participant phenotype was not available at the time of variant classification. Additional details can be found in publication PMID: 35346344, PMCID: PMC8962531

NM_000540.3(RYR1):c.8454C>T (p.Ala2818=)

Genes: RYR1 (ryanodine receptor 1; plus strand), LOC126862902 (BRD4-independent group 4 enhancer GRCh37_chr19:38995830-38997029; plus strand). Cytogenetic location: 19q13.2.
Variant type: single nucleotide variant.
Coding change: c.8454C>T on transcript NM_000540.3 (MANE Select); coding-DNA position 8454, C replaced by T.
Protein change: p.Ala2818=; no amino-acid change (alanine 2818 retained).
Molecular consequence: synonymous variant.
Genome position (GRCh38, 1-based): chr19:38,505,859, C>T. VCF-style: chr19-38505859-C-T. GRCh37 (hg19) VCF-style: chr19-38996499-C-T.
Other names: c.8454C>T, p.Ala2818= (NM_001042723.2).
Identifiers: ClinVar variation 3069255 (VCV003069255.3), dbSNP rs764026234, ClinGen allele CA072061.
Genomic context (GRCh38, chr19:38,505,859, plus strand): 5'-ACCCCAGGACAAAGAGATTTACCGCTGGCCCATCAAGGAGTCCCTGAAGGCCATGATTGC[C>T]TGGGAATGGACGATAGAGAAGGCCAGGGAGGGTGAGGAGGAGAAGACGGAAAAGAAAAAA-3'
Protein context (NP_000531.2, residues 2808-2828): PIKESLKAMI[Ala2818=]WEWTIEKARE